The following is an entry in ClinVar:

ClinVar aggregate classification (germline): Uncertain significance (1 of 4 stars; one submission).

Conditions:
Isolated microphthalmia 4. Identifiers: Orphanet 2542, MedGen C2751307, MONDO:0013130, OMIM 613094.
Microphthalmia, isolated, with coloboma 6 (MCOPCB6). Also called: Microphthalmia with coloboma 6, digenic; Microphthalmia with coloboma 6; MICROPHTHALMIA/COLOBOMA 6. Identifiers: Orphanet 98938, MedGen C3150968, MONDO:0013376, OMIM 613703.
Leber congenital amaurosis 17 (LCA17). Identifiers: Orphanet 65, MedGen C3715164, MONDO:0014145, OMIM 615360.
Klippel-Feil syndrome 1, autosomal dominant (KFS1). Also called: CERVICAL VERTEBRAL FUSION, AUTOSOMAL DOMINANT. Identifiers: Orphanet 2345, MedGen C1861689, MONDO:0007306, OMIM 118100.

Submission:

Labcorp Genetics (formerly Invitae), Labcorp
Classification: Uncertain significance for Isolated microphthalmia 4; Leber congenital amaurosis 17; Klippel-Feil syndrome 1, autosomal dominant; Microphthalmia, isolated, with coloboma 6. Last evaluated: 2025-06-04. Review status: criteria provided, single submitter. Criteria: Invitae Variant Classification Sherloc (09022015). Collection method: clinical testing. Allele origin: germline.
Comment: This sequence change replaces isoleucine, which is neutral and non-polar, with threonine, which is neutral and polar, at codon 28 of the GDF6 protein (p.Ile28Thr). This variant is not present in population databases (gnomAD no frequency). This variant has not been reported in the literature in individuals affected with GDF6-related conditions. ClinVar contains an entry for this variant (Variation ID: 1368033). An algorithm developed to predict the effect of missense changes on protein structure and function (PolyPhen-2) suggests that this variant is likely to be disruptive. In summary, the available evidence is currently insufficient to determine the role of this variant in disease. Therefore, it has been classified as a Variant of Uncertain Significance.

NM_001001557.4(GDF6):c.83T>C (p.Ile28Thr)

Gene: GDF6 (growth differentiation factor 6; minus strand). Cytogenetic location: 8q22.1.
Variant type: single nucleotide variant.
Coding change: c.83T>C on transcript NM_001001557.4 (MANE Select); coding-DNA position 83, T replaced by C.
Protein change: p.Ile28Thr; replaces isoleucine 28 with threonine.
Molecular consequence: missense variant.
Genome position (GRCh38, 1-based): chr8:96,160,610, A>G on the plus strand (T>C on the coding strand, the complement: GDF6 is on the minus strand). VCF-style: chr8-96160610-A-G. GRCh37 (hg19) VCF-style: chr8-97172838-A-G.
Other names: short protein forms I28T.
Identifiers: ClinVar variation 1368033 (VCV001368033.8), dbSNP rs2130238399, ClinGen allele CA371753986.